The following is an entry in ClinVar:

NM_000143.4(FH):c.378+2T>C

Gene: FH (fumarate hydratase; minus strand). Cytogenetic location: 1q43.
Variant type: single nucleotide variant.
Coding change: c.378+2T>C on transcript NM_000143.4 (MANE Select); the canonical splice donor site of the intron after coding-DNA position 378, T replaced by C.
Molecular consequence: splice donor variant.
Genome position (GRCh38, 1-based): chr1:241,513,601, A>G on the plus strand (T>C on the coding strand, the complement: FH is on the minus strand). VCF-style: chr1-241513601-A-G. GRCh37 (hg19) VCF-style: chr1-241676901-A-G.
Identifiers: ClinVar variation 429179 (VCV000429179.7), dbSNP rs1131691241, ClinGen allele CA345440402.
Genomic context (GRCh38, chr1:241,513,601, plus strand): 5'-TCGTCATCCAGAGTATGGCATGGGTCTGAGGTTATTAAGCAAACACACTTATCACCTCCT[A>G]CCTCATCTGCTGCCTTCATTATTGCATTAGCAATCTTTGGATCAAGACCATAATCCTGGT-3'

ClinVar aggregate classification (germline): Pathogenic/Likely pathogenic. Review status: criteria provided, multiple submitters, no conflicts (2 of 4 stars). 3 submissions from 3 submitters: Pathogenic (1); Likely pathogenic (2). Last evaluated 2026-03-13.

Conditions:
Hereditary cancer-predisposing syndrome. Also called: Neoplastic Syndromes, Hereditary; Hereditary Cancer Syndrome; Hereditary neoplastic syndrome; Tumor predisposition. Identifiers: Orphanet 140162, MedGen C0027672, MeSH D009386, MONDO:0015356.
Hereditary leiomyomatosis and renal cell cancer. Also called: MULTIPLE CUTANEOUS AND UTERINE LEIOMYOMATA 1, WITH OR WITHOUT RENAL CELL CARCINOMA; Familial leiomyomatosis; LEIOMYOMA, MULTIPLE CUTANEOUS; FH tumor predisposition syndrome; Multiple cutaneous leiomyomas; Reed syndrome. Identifiers: Orphanet 523, MedGen C1708350, MONDO:0007888, OMIM 150800, HP:0007437. Disease mechanism: loss of function.

Submissions (3):

Myriad Genetics, Inc.
Classification: Likely pathogenic for Hereditary leiomyomatosis and renal cell cancer. Last evaluated: 2026-03-13. Review status: criteria provided, single submitter. Criteria: Myriad Autosomal Dominant, Autosomal Recessive and X-Linked Classification Criteria (2023). Collection method: clinical testing. Allele origin: unknown.
Comment: This variant is considered likely pathogenic. This variant occurs within a consensus splice junction and is predicted to result in abnormal mRNA splicing of either an out-of-frame exon or an in-frame exon necessary for protein stability and/or normal function.

Molecular Pathology, Peter Maccallum Cancer Centre
Classification: Pathogenic for Hereditary leiomyomatosis and renal cell cancer. Last evaluated: 2024-04-27. Review status: criteria provided, single submitter. Criteria: ACMG Guidelines, 2015. Collection method: clinical testing. Allele origin: germline. Inheritance: Autosomal dominant inheritance.

Ambry Genetics
Classification: Likely pathogenic for Hereditary cancer-predisposing syndrome. Last evaluated: 2019-03-18. Review status: criteria provided, single submitter. Criteria: Ambry Variant Classification Scheme 2023. Collection method: clinical testing. Allele origin: germline.
Comment: The c.378+2T>C intronic variant results from a T to C substitution two nucleotides after coding exon 3 in the FH gene. This nucleotide position is highly conserved in available vertebrate species. Using the BDGP and ESEfinder splice site prediction tools, this alteration is predicted to abolish the native splice donor site; however, direct evidence is unavailable. Alterations that disrupt the canonical splice site are expected to cause aberrant splicing, resulting in an abnormal protein or a transcript that is subject to nonsense-mediated mRNA decay. As such, this alteration is classified as likely pathogenic.